The following is an entry in ClinVar:

NM_000088.4(COL1A1):c.751-2A>T

Genes: COL1A1 (collagen type I alpha 1 chain; minus strand), LOC126862586 (CDK7 strongly-dependent group 2 enhancer GRCh37_chr17:48273702-48274901; plus strand). Cytogenetic location: 17q21.33.
Variant type: single nucleotide variant.
Coding change: c.751-2A>T on transcript NM_000088.4 (MANE Select); the canonical splice acceptor site of the intron before coding-DNA position 751, A replaced by T.
Molecular consequence: splice acceptor variant.
Genome position (GRCh38, 1-based): chr17:50,197,065, T>A on the plus strand (A>T on the coding strand, the complement: COL1A1 is on the minus strand). VCF-style: chr17-50197065-T-A. GRCh37 (hg19) VCF-style: chr17-48274426-T-A.
Identifiers: ClinVar variation 3064974 (VCV003064974.2), dbSNP rs193922158, ClinGen allele CA400224007.

ClinVar aggregate classification (germline): Conflicting classifications of pathogenicity. Review status: criteria provided, conflicting classifications (1 of 4 stars). 2 submissions from 2 submitters: Pathogenic (1); Uncertain significance (1). Last evaluated 2025-03-01.

Conditions:
Osteogenesis imperfecta type I (OI1). Also called: Classic Non-deforming Osteogenesis Imperfecta with Blue Sclerae; OI, TYPE I; OSTEOGENESIS IMPERFECTA TARDA; OSTEOGENESIS IMPERFECTA WITH BLUE SCLERAE; Osteogenesis imperfecta type 1; Lobstein's Disease. Identifiers: Orphanet 216796, Orphanet 666, MedGen C0023931, MONDO:0008146, OMIM 166200. Disease mechanism: loss of function.

Submissions (2):

Laboratory of Genetic Skeletal Anomaly, Seoul National University Children's Hospital
Classification: Pathogenic for Osteogenesis imperfecta type I. Last evaluated: 2025-03-01. Review status: criteria provided, single submitter. Criteria: ACMG Guidelines, 2015. Collection method: research. Allele origin: germline. Affected: yes.
Comment: This variant is a novel variant not previously reported in the literature or population databases. It was classified based on available in silico predictions and absence from gnomAD.

Genomic Medicine Center of Excellence, King Faisal Specialist Hospital and Research Centre
Classification: Uncertain significance for Osteogenesis imperfecta type I. Last evaluated: 2024-03-25. Review status: criteria provided, single submitter. Criteria: ACMG Guidelines, 2015. Collection method: clinical testing. Allele origin: germline.